The following is an entry in ClinVar:

NM_005898.5(CAPRIN1):c.1815C>G (p.Tyr605Ter)

Gene: CAPRIN1 (cell cycle associated protein 1; plus strand). Cytogenetic location: 11p13.
Variant type: single nucleotide variant.
Coding change: c.1815C>G on transcript NM_005898.5 (MANE Select); coding-DNA position 1815, C replaced by G.
Protein change: p.Tyr605Ter; replaces tyrosine 605 with a stop codon.
Molecular consequence: nonsense.
Genome position (GRCh38, 1-based): chr11:34,096,588, C>G. VCF-style: chr11-34096588-C-G. GRCh37 (hg19) VCF-style: chr11-34118135-C-G.
Other names: c.1815C>G, p.Tyr605Ter (NM_203364.3); short protein forms Y605*.
Identifiers: ClinVar variation 2576555 (VCV002576555.2), dbSNP rs1392266754, ClinGen allele CA380033389.

ClinVar aggregate classification (germline): Uncertain significance (1 of 4 stars; one submission).

Conditions:
CAPRIN1-associated disorder.

Submission:

Institute of Human Genetics, University of Leipzig Medical Center
Classification: Uncertain significance for CAPRIN1-associated disorder. Last evaluated: 2023-06-13. Review status: criteria provided, single submitter. Criteria: ACMG Guidelines, 2015. Collection method: clinical testing. Allele origin: maternal. Inheritance: Autosomal dominant inheritance. Affected: yes.
Comment: Criteria applied: PVS1,PM2_SUP,BS2_SA